The following is an entry in ClinVar:

ClinVar aggregate classification (germline): Likely benign. Review status: criteria provided, multiple submitters, no conflicts (2 of 4 stars). 2 submissions from 2 submitters: Likely benign (2). Last evaluated 2023-09-01.

Conditions:
Cardiovascular phenotype. Identifiers: MedGen CN230736.

Allele frequency attached by ClinVar (database versions not stated): TOPMed below 0.00001.

Submissions (2):

CeGaT Center for Human Genetics Tuebingen
Classification: Likely benign. Last evaluated: 2023-09-01. Review status: criteria provided, single submitter. Criteria: CeGaT Center For Human Genetics Tuebingen Variant Classification Criteria Version 2. Collection method: clinical testing. Allele origin: germline. Affected: yes. Observed: 2 variant alleles.
Comment: TTN: PM2:Supporting, BP4, BP7

Ambry Genetics
Classification: Likely benign for Cardiovascular phenotype. Last evaluated: 2022-11-10. Review status: criteria provided, single submitter. Criteria: Ambry Variant Classification Scheme 2023. Collection method: clinical testing. Allele origin: germline.

NM_001267550.2(TTN):c.45846C>T (p.Thr15282=)

Gene: TTN (titin; minus strand). Cytogenetic location: 2q31.2.
Variant type: single nucleotide variant.
Coding change: c.45846C>T on transcript NM_001267550.2 (MANE Select); coding-DNA position 45846, C replaced by T.
Protein change: p.Thr15282=; no amino-acid change (threonine 15282 retained).
Molecular consequence: synonymous variant.
Genome position (GRCh38, 1-based): chr2:178,620,764, G>A on the plus strand (C>T on the coding strand, the complement: TTN is on the minus strand). VCF-style: chr2-178620764-G-A. GRCh37 (hg19) VCF-style: chr2-179485491-G-A.
Other names: c.40923C>T, p.Thr13641= (NM_001256850.1); c.18651C>T, p.Thr6217= (NM_003319.4); c.38142C>T, p.Thr12714= (NM_133378.4); c.19026C>T, p.Thr6342= (NM_133432.3); c.19227C>T, p.Thr6409= (NM_133437.4).
Identifiers: ClinVar variation 2451854 (VCV002451854.27), dbSNP rs377132447, ClinGen allele CA430275870.